The following is an entry in ClinVar:

NM_001298.3(CNGA3):c.1569C>T (p.Asn523=)

Gene: CNGA3 (cyclic nucleotide gated channel subunit alpha 3; plus strand). Cytogenetic location: 2q11.2.
Variant type: single nucleotide variant.
Coding change: c.1569C>T on transcript NM_001298.3 (MANE Select); coding-DNA position 1569, C replaced by T.
Protein change: p.Asn523=; no amino-acid change (asparagine 523 retained).
Molecular consequence: synonymous variant.
Genome position (GRCh38, 1-based): chr2:98,396,739, C>T. VCF-style: chr2-98396739-C-T. GRCh37 (hg19) VCF-style: chr2-99013202-C-T.
Other names: c.1515C>T, p.Asn505= (NM_001079878.2).
Identifiers: ClinVar variation 284151 (VCV000284151.46), dbSNP rs61752503, ClinGen allele CA1794038.

ClinVar aggregate classification (germline): Conflicting classifications of pathogenicity. Review status: criteria provided, conflicting classifications (1 of 4 stars). 6 submissions from 6 submitters: Uncertain significance (1); Benign (1); Likely benign (4). Last evaluated 2026-06-01.

Conditions:
Achromatopsia 2 (ACHM2). Also called: COLORBLINDNESS, TOTAL; ROD MONOCHROMACY 2; ROD MONOCHROMATISM 2. Identifiers: Orphanet 49382, MedGen C1857618, MONDO:0009003, OMIM 216900.

Allele frequency attached by ClinVar (database versions not stated): 1000 Genomes Project 0.00100; 1000 Genomes Project 30x 0.00125; ExAC 0.00324; gnomAD exomes 0.00345 and 0.00695; gnomAD 0.00430 and 0.00467; TOPMed 0.00458; ESP Exome Variant Server 0.00577.
gnomAD v4.1: 10,717 of 1,614,134 alleles (0.66%); highest among the groups gnomAD compares: Non-Finnish European, 0.85%; 40 homozygotes.

Submissions (6):

CeGaT Center for Human Genetics Tuebingen
Classification: Likely benign. Last evaluated: 2026-06-01. Review status: criteria provided, single submitter. Criteria: CeGaT Center For Human Genetics Tuebingen Variant Classification Criteria Version 2. Collection method: clinical testing. Allele origin: germline. Affected: yes. Observed: 5 variant alleles.
Comment: CNGA3: BP4, BP7, BS2

Labcorp Genetics (formerly Invitae), Labcorp
Classification: Benign. Last evaluated: 2026-02-01. Review status: criteria provided, single submitter. Criteria: Invitae Variant Classification Sherloc (09022015). Collection method: clinical testing. Allele origin: germline.

Blueprint Genetics
Classification: Likely benign. Last evaluated: 2024-11-25. Review status: criteria provided, single submitter. Criteria: ACMG Guidelines, 2015. Collection method: clinical testing. Allele origin: germline.

GeneDx
Classification: Likely benign. Last evaluated: 2019-01-16. Review status: criteria provided, single submitter. Criteria: GeneDx Variant Classification Process June 2021. Collection method: clinical testing. Allele origin: germline. Affected: yes.
Comment: This variant is associated with the following publications: (PMID: 15712225)

Illumina Laboratory Services, Illumina
Classification: Uncertain significance for Achromatopsia 2. Last evaluated: 2017-04-27. Review status: criteria provided, single submitter. Criteria: ICSL Variant Classification Criteria 13 December 2019. Collection method: clinical testing. Allele origin: germline.
Comment: This variant was observed as part of a predisposition screen in an ostensibly healthy population. A literature search was performed for the gene, cDNA change, and amino acid change (where applicable). Publications were found based on this search. However, the evidence from the literature, in combination with allele frequency data from public databases where available, was not sufficient to rule this variant in or out of causing disease. Therefore, this variant is classified as a variant of unknown significance.

Eurofins Ntd Llc (ga)
Classification: Likely benign. Last evaluated: 2015-10-29. Review status: criteria provided, single submitter. Criteria: EGL Classification Definitions 2015. Collection method: clinical testing. Allele origin: germline. Observed: 1 variant allele, 1 heterozygote.

Literature cited by the submitters: PubMed 15712225 (cited by Illumina Laboratory Services, Illumina).